The following is an entry in ClinVar:

NM_138477.4(CDAN1):c.90+7G>C

Gene: CDAN1 (codanin 1; minus strand). Cytogenetic location: 15q15.2.
Variant type: single nucleotide variant.
Coding change: c.90+7G>C on transcript NM_138477.4 (MANE Select); 7 bases into the intron after coding-DNA position 90, G replaced by C.
Molecular consequence: intron variant.
Genome position (GRCh38, 1-based): chr15:42,737,006, C>G on the plus strand (G>C on the coding strand, the complement: CDAN1 is on the minus strand). VCF-style: chr15-42737006-C-G. GRCh37 (hg19) VCF-style: chr15-43029204-C-G.
Other names: c.90+7G>C (NM_138477.2).
Identifiers: ClinVar variation 2971329 (VCV002971329.5), dbSNP rs779231808, ClinGen allele CA7516471.

ClinVar aggregate classification (germline): Likely benign. Review status: criteria provided, single submitter (1 of 4 stars). 2 submissions from 2 submitters: Likely benign (1). 1 of the submissions does not count toward it. Last evaluated 2023-04-30.

Conditions:
CDAN1-related disorder. Also called: CDAN1-related condition.

Allele frequency attached by ClinVar (database versions not stated): ExAC 0.00005.

Submissions (2):

Labcorp Genetics (formerly Invitae), Labcorp
Classification: Likely benign. Last evaluated: 2023-04-30. Review status: criteria provided, single submitter. Criteria: Invitae Variant Classification Sherloc (09022015). Collection method: clinical testing. Allele origin: germline.

PreventionGenetics, part of Exact Sciences
Classification: Likely benign for CDAN1-related condition. Last evaluated: 2021-07-05. Review status: no assertion criteria provided. Collection method: clinical testing. Allele origin: germline. Not counted in ClinVar's aggregate classification.
Comment: This variant is classified as likely benign based on ACMG/AMP sequence variant interpretation guidelines (Richards et al. 2015 PMID: 25741868, with internal and published modifications).